The following is an entry in ClinVar:

NM_005732.4(RAD50):c.2386G>A (p.Glu796Lys)

Gene: RAD50 (RAD50 double strand break repair protein; plus strand). Cytogenetic location: 5q31.1.
Variant type: single nucleotide variant.
Coding change: c.2386G>A on transcript NM_005732.4 (MANE Select); coding-DNA position 2386, G replaced by A.
Protein change: p.Glu796Lys; replaces glutamic acid 796 with lysine.
Molecular consequence: missense variant.
Genome position (GRCh38, 1-based): chr5:132,603,478, G>A. VCF-style: chr5-132603478-G-A. GRCh37 (hg19) VCF-style: chr5-131939170-G-A.
Other names: short protein forms E796K.
Identifiers: ClinVar variation 229814 (VCV000229814.5), dbSNP rs876658213, ClinGen allele CA10578565.
Genomic context (GRCh38, chr5:132,603,478, plus strand): 5'-GGTACAATAATGCCTGAAGAAGAAAGTGCCAAAGTATGCCTGACAGATGTTACAATTATG[G>A]AGAGGTTCCAGGTAAGTTTATTGTAGTTTAAGGCAGAATAAAACTTGTTCCATGGTGGCT-3'
Protein context (NP_005723.2, residues 786-806): KVCLTDVTIM[Glu796Lys]RFQMELKDVE

ClinVar aggregate classification (germline): Uncertain significance (1 of 4 stars; one submission).

Conditions:
Hereditary cancer-predisposing syndrome. Also called: Hereditary neoplastic syndrome; Hereditary Cancer Syndrome; Neoplastic Syndromes, Hereditary; Tumor predisposition. Identifiers: Orphanet 140162, MedGen C0027672, MeSH D009386, MONDO:0015356.

Submission:

Ambry Genetics
Classification: Uncertain significance for Hereditary cancer-predisposing syndrome. Last evaluated: 2015-01-03. Review status: criteria provided, single submitter. Criteria: Ambry Variant Classification Scheme 2023. Collection method: clinical testing. Allele origin: germline.
Comment: The p.E796K variant (also known as c.2386G>A), located in coding exon 14 of the RAD50 gene, results from a G to A substitution at nucleotide position 2386. The glutamic acid at codon 796 is replaced by lysine, an amino acid with similar properties. This variant was not reported in population based cohorts in the following databases: Database of Single Nucleotide Polymorphisms (dbSNP), NHLBI Exome Sequencing Project (ESP), and 1000 Genomes Project. In the ESP, this variant was not observed in 6503 samples (13006 alleles) with coverage at this position. To date, this alteration has been detected with an allele frequency of approximately 0.003% (greater than 40000 alleles tested) in our clinical cohort. This amino acid position is well conserved in available vertebrate species. In addition, the in silico prediction for this alteration is inconclusive. Since supporting evidence is limited at this time, the clinical significance of p.E796K remains unclear.